The following is an entry in ClinVar:

ClinVar aggregate classification (germline): Uncertain significance. Review status: criteria provided, multiple submitters, no conflicts (2 of 4 stars). 2 submissions from 2 submitters: Uncertain significance (2). Last evaluated 2024-08-26.

Conditions:
Hereditary cancer-predisposing syndrome. Also called: Hereditary neoplastic syndrome; Neoplastic Syndromes, Hereditary; Tumor predisposition; Hereditary Cancer Syndrome. Identifiers: Orphanet 140162, MedGen C0027672, MeSH D009386, MONDO:0015356.

Submissions (2):

Ambry Genetics
Classification: Uncertain significance for Hereditary cancer-predisposing syndrome. Last evaluated: 2024-08-26. Review status: criteria provided, single submitter. Criteria: Ambry Variant Classification Scheme 2023. Collection method: clinical testing. Allele origin: germline.
Comment: The p.I2683S variant (also known as c.8048T>G), located in coding exon 15 of the APC gene, results from a T to G substitution at nucleotide position 8048. The isoleucine at codon 2683 is replaced by serine, an amino acid with dissimilar properties. This amino acid position is conserved. In addition, in silico predictors for this gene do not accurately predict pathogenicity. Based on the available evidence, the clinical significance of this variant remains unclear.

GeneDx
Classification: Uncertain significance. Last evaluated: 2019-07-19. Review status: criteria provided, single submitter. Criteria: GeneDx Variant Classification Process June 2021. Collection method: clinical testing. Allele origin: germline. Affected: yes.
Comment: Not observed in large population cohorts (Lek 2016); In silico analysis, which includes protein predictors and evolutionary conservation, supports that this variant does not alter protein structure/function; Has not been previously published as pathogenic or benign to our knowledge

NM_000038.6(APC):c.8048T>G (p.Ile2683Ser)

Gene: APC (APC regulator of Wnt signaling pathway; plus strand). Cytogenetic location: 5q22.2.
Variant type: single nucleotide variant.
Coding change: c.8048T>G on transcript NM_000038.6 (MANE Select); coding-DNA position 8048, T replaced by G.
Protein change: p.Ile2683Ser; replaces isoleucine 2683 with serine.
Molecular consequence: missense variant.
Genome position (GRCh38, 1-based): chr5:112,843,642, T>G. VCF-style: chr5-112843642-T-G. GRCh37 (hg19) VCF-style: chr5-112179339-T-G.
Other names: c.8048T>G, p.Ile2683Ser (NM_001127510.3, NM_001354895.2); c.7994T>G, p.Ile2665Ser (NM_001127511.3); c.8102T>G, p.Ile2701Ser (NM_001354896.2); c.8078T>G, p.Ile2693Ser (NM_001354897.2); c.7973T>G, p.Ile2658Ser (NM_001354898.2); c.7964T>G, p.Ile2655Ser (NM_001354899.2); c.7925T>G, p.Ile2642Ser (NM_001354900.2); c.7871T>G, p.Ile2624Ser (NM_001354901.2); and 5 more; short protein forms I2400S, I2523S, I2557S, I2582S, I2592S, I2624S, I2642S, I2655S.
Identifiers: ClinVar variation 1317229 (VCV001317229.3), dbSNP rs1561620223, ClinGen allele CA16038805.
Genomic context (GRCh38, chr5:112,843,642, plus strand): 5'-ACTGTCCCATTAACAATCCTAGATCTGGAAGATCTCCCACAGGTAATACTCCCCCGGTGA[T>G]TGACAGTGTTTCAGAAAAGGCAAATCCAAACATTAAAGATTCAAAAGATAATCAGGCAAA-3'
Protein context (NP_000029.2, residues 2673-2693): RSPTGNTPPV[Ile2683Ser]DSVSEKANPN